The following is an entry in ClinVar:

NM_014795.4(ZEB2):c.2823T>A (p.Thr941=)

Gene: ZEB2 (zinc finger E-box binding homeobox 2; minus strand). Cytogenetic location: 2q22.3.
Variant type: single nucleotide variant.
Coding change: c.2823T>A on transcript NM_014795.4 (MANE Select); coding-DNA position 2823, T replaced by A.
Protein change: p.Thr941=; no amino-acid change (threonine 941 retained).
Molecular consequence: synonymous variant.
Genome position (GRCh38, 1-based): chr2:144,398,364, A>T on the plus strand (T>A on the coding strand, the complement: ZEB2 is on the minus strand). VCF-style: chr2-144398364-A-T. GRCh37 (hg19) VCF-style: chr2-145155931-A-T.
Other names: c.2751T>A, p.Thr917= (NM_001171653.2).
Identifiers: ClinVar variation 2651395 (VCV002651395.24), dbSNP rs1244651246, ClinGen allele CA429445021.

ClinVar aggregate classification (germline): Likely benign (1 of 4 stars; one submission).

Submission:

CeGaT Center for Human Genetics Tuebingen
Classification: Likely benign. Last evaluated: 2022-06-01. Review status: criteria provided, single submitter. Criteria: CeGaT Center For Human Genetics Tuebingen Variant Classification Criteria Version 2. Collection method: clinical testing. Allele origin: germline. Affected: yes. Observed: 1 variant allele.
Comment: ZEB2: PM2:Supporting, BP4, BP7